The following is an entry in ClinVar:

ClinVar aggregate classification (germline): Uncertain significance (1 of 4 stars; one submission).

Conditions:
Kabuki syndrome. Also called: NIIKAWA-KUROKI SYNDROME; Kabuki make-up syndrome. Identifiers: Orphanet 2322, MedGen C0796004, MONDO:0016512.

Submission:

Labcorp Genetics (formerly Invitae), Labcorp
Classification: Uncertain significance for Kabuki syndrome. Last evaluated: 2025-11-15. Review status: criteria provided, single submitter. Criteria: Invitae Variant Classification Sherloc (09022015). Collection method: clinical testing. Allele origin: germline.
Comment: This sequence change replaces isoleucine, which is neutral and non-polar, with methionine, which is neutral and non-polar, at codon 2562 of the KMT2D protein (p.Ile2562Met). This variant is not present in population databases (gnomAD no frequency). This variant has not been reported in the literature in individuals affected with KMT2D-related conditions. ClinVar contains an entry for this variant (Variation ID: 2778594). Invitae Evidence Modeling of protein sequence and biophysical properties (such as structural, functional, and spatial information, amino acid conservation, physicochemical variation, residue mobility, and thermodynamic stability) indicates that this missense variant is not expected to disrupt KMT2D protein function with a negative predictive value of 95%. In summary, the available evidence is currently insufficient to determine the role of this variant in disease. Therefore, it has been classified as a Variant of Uncertain Significance.

NM_003482.4(KMT2D):c.7686C>G (p.Ile2562Met)

Gene: KMT2D (lysine methyltransferase 2D; minus strand). Cytogenetic location: 12q13.12.
Variant type: single nucleotide variant.
Coding change: c.7686C>G on transcript NM_003482.4 (MANE Select); coding-DNA position 7686, C replaced by G.
Protein change: p.Ile2562Met; replaces isoleucine 2562 with methionine.
Molecular consequence: missense variant.
Genome position (GRCh38, 1-based): chr12:49,040,084, G>C on the plus strand (C>G on the coding strand, the complement: KMT2D is on the minus strand). VCF-style: chr12-49040084-G-C. GRCh37 (hg19) VCF-style: chr12-49433867-G-C.
Other names: short protein forms I2562M.
Identifiers: ClinVar variation 2778594 (VCV002778594.3), dbSNP rs2120521951, ClinGen allele CA384747165.
Genomic context (GRCh38, chr12:49,040,084, plus strand): 5'-TACTGTGTAGTTTGTGCTTTGAGGCTTGCCCAAGGTGGGGCCGGGCCCAAAATGGCTGTT[G>C]ATCCCATGGGGTGGCGGGAGACCAGGCTGAGGGACAGGGGGCTTTAGGGAAGGCTCCCCT-3'
Protein context (NP_003473.3, residues 2552-2572): PQPGLPPPHG[Ile2562Met]NSHFGPGPTL